The following is an entry in ClinVar:

NM_001701.4(BAAT):c.412A>G (p.Thr138Ala)

Gene: BAAT (bile acid-CoA:amino acid N-acyltransferase; minus strand). Cytogenetic location: 9q31.1.
Variant type: single nucleotide variant.
Coding change: c.412A>G on transcript NM_001701.4 (MANE Select); coding-DNA position 412, A replaced by G.
Protein change: p.Thr138Ala; replaces threonine 138 with alanine.
Molecular consequence: missense variant.
Genome position (GRCh38, 1-based): chr9:101,370,993, T>C on the plus strand (A>G on the coding strand, the complement: BAAT is on the minus strand). VCF-style: chr9-101370993-T-C. GRCh37 (hg19) VCF-style: chr9-104133275-T-C.
Other names: c.412A>G, p.Thr138Ala (NM_001127610.2, NM_001374715.1); short protein forms T138A.
Identifiers: ClinVar variation 2245163 (VCV002245163.3), dbSNP rs140848255, ClinGen allele CA196950277.
Genomic context (GRCh38, chr9:101,370,993, plus strand): 5'-ACTCACCTGGAGGGAGAAAGAGAGCTCCTCGAAGGCGGCCTTCTCGAACCTTAATTCGTG[T>C]GACACCAGGTGCCACATACCACCTCTCCAAAGTCAGGCTGGCCTTTGGAGCACTGGCAAC-3'
Protein context (NP_001692.1, residues 128-148): LERWYVAPGV[Thr138Ala]RIKVREGRLR

ClinVar aggregate classification (germline): Uncertain significance. Review status: criteria provided, multiple submitters, no conflicts (2 of 4 stars). 2 submissions from 2 submitters: Uncertain significance (2). Last evaluated 2026-06-03.

Conditions:
BAAT-related disorder. Also called: BAAT-related condition.

Allele frequency attached by ClinVar (database versions not stated): gnomAD exomes below 0.00001; gnomAD 0.00001; TOPMed 0.00002; ESP Exome Variant Server 0.00008.
gnomAD v4.1: 9 of 1,614,012 alleles (0.00056%); highest among the groups gnomAD compares: Non-Finnish European, 0.00068%; no homozygotes.

Submissions (2):

PreventionGenetics, part of Exact Sciences
Classification: Uncertain significance for BAAT-related condition. Last evaluated: 2026-06-03. Review status: criteria provided, single submitter. Criteria: ACMG Guidelines, 2015. Collection method: clinical testing. Allele origin: germline.
Comment: The BAAT c.412A>G variant is predicted to result in the amino acid substitution p.Thr138Ala. To our knowledge, this variant has not been reported in the literature or in a large population database (gnomAD), indicating this variant is rare. At this time, the clinical significance of this variant is uncertain due to the absence of conclusive functional and genetic evidence.

Ambry Genetics
Classification: Uncertain significance. Last evaluated: 2021-08-13. Review status: criteria provided, single submitter. Criteria: Ambry Variant Classification Scheme 2023. Collection method: clinical testing. Allele origin: germline.